The following is an entry in ClinVar:

NM_001351132.2(PEX5):c.1279del (p.Arg427fs)

Gene: PEX5 (peroxisomal biogenesis factor 5; plus strand). Cytogenetic location: 12p13.31.
Variant type: Deletion.
Coding change: c.1279del on transcript NM_001351132.2 (MANE Select); coding-DNA position 1279, one base deleted (C; older notation c.1279delC).
Protein change: p.Arg427fs; shifts the reading frame from arginine 427.
Molecular consequence: frameshift variant.
Genome position (GRCh38, 1-based): chr12:7,208,554, C deleted. VCF-style (leftmost placement, unchanged base first): chr12-7208553-AC-A. GRCh37 (hg19) VCF-style: chr12-7361149-AC-A.
Other names: c.1279del, p.Arg427fs (NM_001131025.2, NM_001131026.2, NM_001300789.3 and 4 more transcripts); c.1168del, p.Arg390fs (NM_001351124.3, NM_001351126.2, NM_001351127.2 and 7 more transcripts); c.1213del, p.Arg405fs (NM_001351135.3, NM_001351138.2); c.1270del, p.Arg424fs (NM_001351136.2); c.1144del, p.Arg382fs (NM_001351139.2, NM_001351140.2, NM_001374649.2); c.1255del, p.Arg419fs (NM_000319.5); c.1324del, p.Arg442fs (NM_001131023.2); short protein forms R424fs, R382fs, R419fs, R442fs, R390fs, R405fs, R427fs.
Identifiers: ClinVar variation 3657277 (VCV003657277.2).

ClinVar aggregate classification (germline): Pathogenic (1 of 4 stars; one submission).

Conditions:
Peroxisome biogenesis disorder 2B (PBD2B). Identifiers: Orphanet 44, MedGen C3550234, MONDO:0008736, OMIM 202370.

Submission:

Labcorp Genetics (formerly Invitae), Labcorp
Classification: Pathogenic for Peroxisome biogenesis disorder 2B. Last evaluated: 2024-06-28. Review status: criteria provided, single submitter. Criteria: Invitae Variant Classification Sherloc (09022015). Collection method: clinical testing. Allele origin: germline.
Comment: This sequence change creates a premature translational stop signal (p.Arg427Glufs*14) in the PEX5 gene. It is expected to result in an absent or disrupted protein product. Loss-of-function variants in PEX5 are known to be pathogenic (PMID: 18712838, 21031596). This variant is not present in population databases (gnomAD no frequency). This variant has not been reported in the literature in individuals affected with PEX5-related conditions. For these reasons, this variant has been classified as Pathogenic.

Literature cited by the submitters: PubMed 18712838; PubMed 21031596.